The following is an entry in ClinVar:

ClinVar aggregate classification (germline): Conflicting classifications of pathogenicity. Review status: criteria provided, conflicting classifications (1 of 4 stars). 2 submissions from 2 submitters: Uncertain significance (1); Likely benign (1). Last evaluated 2025-09-17.

Conditions:
Cardiovascular phenotype. Identifiers: MedGen CN230736.
Familial hypobetalipoproteinemia 1. Also called: Hypobetalipoproteinemia, normotriglyceridemic; Acanthocytosis with hypobetalipoproteinemia; APOB-Related Familial Hypobetalipoproteinemia. Identifiers: MedGen C4551990, MONDO:0014252, OMIM 615558.
Hypercholesterolemia, autosomal dominant, type B (FHCL2). Also called: Familial Hypercholesterolemia Type B; HYPERCHOLESTEROLEMIA, FAMILIAL, DUE TO LIGAND-DEFECTIVE APOLIPOPROTEIN B; Familial hypercholesterolemia 2; APOB-Related Familial Hypercholesterolemia, Autosomal Dominant; APOLIPOPROTEIN B-100, FAMILIAL DEFECTIVE; APOLIPOPROTEIN B-100, FAMILIAL LIGAND-DEFECTIVE. Identifiers: MedGen C1704417, MONDO:0007751, OMIM 144010.

Allele frequency attached by ClinVar (database versions not stated): TOPMed 0.00003; gnomAD exomes 0.00001; ExAC 0.00002; gnomAD 0.00002.
gnomAD v4.1: 10 of 1,611,608 alleles (0.00062%); highest among the groups gnomAD compares: East Asian, 0.011%; no homozygotes.

Submissions (2):

Ambry Genetics
Classification: Uncertain significance for Cardiovascular phenotype. Last evaluated: 2025-09-17. Review status: criteria provided, single submitter. Criteria: Ambry Variant Classification Scheme 2023. Collection method: clinical testing. Allele origin: germline.
Comment: The p.R1055W variant (also known as c.3163C>T), located in coding exon 21 of the APOB gene, results from a C to T substitution at nucleotide position 3163. The arginine at codon 1055 is replaced by tryptophan, an amino acid with dissimilar properties. This amino acid position is conserved. In addition, the in silico prediction for this alteration is inconclusive. Based on the available evidence, the clinical significance of this variant remains unclear.

Labcorp Genetics (formerly Invitae), Labcorp
Classification: Likely benign for Familial hypobetalipoproteinemia 1; Hypercholesterolemia, autosomal dominant, type B. Last evaluated: 2025-05-12. Review status: criteria provided, single submitter. Criteria: Invitae Variant Classification Sherloc (09022015). Collection method: clinical testing. Allele origin: germline.

NM_000384.3(APOB):c.3163C>T (p.Arg1055Trp)

Gene: APOB (apolipoprotein B; minus strand). Cytogenetic location: 2p24.1.
Variant type: single nucleotide variant.
Coding change: c.3163C>T on transcript NM_000384.3 (MANE Select); coding-DNA position 3163, C replaced by T.
Protein change: p.Arg1055Trp; replaces arginine 1055 with tryptophan.
Molecular consequence: missense variant.
Genome position (GRCh38, 1-based): chr2:21,016,608, G>A on the plus strand (C>T on the coding strand, the complement: APOB is on the minus strand). VCF-style: chr2-21016608-G-A. GRCh37 (hg19) VCF-style: chr2-21239480-G-A.
Other names: short protein forms R1055W.
Identifiers: ClinVar variation 928136 (VCV000928136.9), dbSNP rs768375513, ClinGen allele CA058158.